The following is an entry in ClinVar:

ClinVar aggregate classification (germline): Conflicting classifications of pathogenicity. Review status: criteria provided, conflicting classifications (1 of 4 stars). 5 submissions from 5 submitters: Uncertain significance (4); Benign (1). Last evaluated 2026-01-17.

Conditions:
Hereditary cancer-predisposing syndrome. Also called: Hereditary Cancer Syndrome; Neoplastic Syndromes, Hereditary; Hereditary neoplastic syndrome; Tumor predisposition. Identifiers: Orphanet 140162, MedGen C0027672, MeSH D009386, MONDO:0015356.
Tuberous sclerosis 2 (TSC2). Identifiers: Orphanet 805, MedGen C1860707, MONDO:0013199, OMIM 613254.
Tuberous sclerosis syndrome (TSC). Also called: Tuberous Sclerosis Complex; Tuberous sclerosis. Identifiers: Orphanet 805, MedGen C0041341, MONDO:0001734.

Allele frequency attached by ClinVar (database versions not stated): gnomAD exomes below 0.00001; ExAC 0.00001.
gnomAD v4.1: 2 of 1,610,528 alleles (0.00012%); highest among the groups gnomAD compares: East Asian, 0.0022%; no homozygotes.

Submissions (5):

Labcorp Genetics (formerly Invitae), Labcorp
Classification: Benign for Tuberous sclerosis 2. Last evaluated: 2026-01-17. Review status: criteria provided, single submitter. Criteria: Invitae Variant Classification Sherloc (09022015). Collection method: clinical testing. Allele origin: germline.

Ambry Genetics
Classification: Uncertain significance for Hereditary cancer-predisposing syndrome. Last evaluated: 2025-01-21. Review status: criteria provided, single submitter. Criteria: Ambry Variant Classification Scheme 2023. Collection method: clinical testing. Allele origin: germline.
Comment: The p.P1098S variant (also known as c.3292C>T), located in coding exon 28 of the TSC2 gene, results from a C to T substitution at nucleotide position 3292. The proline at codon 1098 is replaced by serine, an amino acid with similar properties. This amino acid position is not well conserved in available vertebrate species. In addition, the in silico prediction for this alteration is inconclusive. Based on the available evidence, the clinical significance of this variant remains unclear.

All of Us Research Program, National Institutes of Health
Classification: Uncertain significance for Tuberous sclerosis syndrome. Last evaluated: 2024-05-09. Review status: criteria provided, single submitter. Criteria: ACMG Guidelines, 2015. Collection method: clinical testing. Allele origin: germline. Inheritance: Autosomal dominant inheritance. Observed: 2 variant alleles, 2 heterozygotes.
Comment: This missense variant replaces proline with serine at codon 1098 of the TSC2 protein. Computational prediction suggests that this variant may not impact protein structure and function (internally defined REVEL score threshold <= 0.5, PMID: 27666373). To our knowledge, functional studies have not been reported for this variant. This variant has not been reported in individuals affected with TSC2-related disorders in the literature. This variant has been identified in 1/242202 chromosomes in the general population by the Genome Aggregation Database (gnomAD). The available evidence is insufficient to determine the role of this variant in disease conclusively. Therefore, this variant is classified as a Variant of Uncertain Significance.

This study involves interpretation of variants in research participants for the purpose of population health screening. Participant phenotype was not available at the time of variant classification. Additional details can be found in publication PMID: 35346344, PMCID: PMC8962531

Color Diagnostics, LLC DBA Color Health
Classification: Uncertain significance for Tuberous sclerosis syndrome. Last evaluated: 2023-09-28. Review status: criteria provided, single submitter. Criteria: ACMG Guidelines, 2015. Collection method: clinical testing. Allele origin: germline.
Comment: This missense variant replaces proline with serine at codon 1098 of the TSC2 protein. Computational prediction suggests that this variant may not impact protein structure and function. To our knowledge, functional studies have not been reported for this variant. This variant has not been reported in individuals affected with TSC2-related disorders in the literature. This variant has been identified in 1/242202 chromosomes in the general population by the Genome Aggregation Database (gnomAD). The available evidence is insufficient to determine the role of this variant in disease conclusively. Therefore, this variant is classified as a Variant of Uncertain Significance.

Genome-Nilou Lab
Classification: Uncertain significance for Tuberous sclerosis 2. Last evaluated: 2021-11-07. Review status: criteria provided, single submitter. Criteria: ACMG Guidelines, 2015. Collection method: clinical testing. Allele origin: germline. Affected: no.

NM_000548.5(TSC2):c.3292C>T (p.Pro1098Ser)

Gene: TSC2 (TSC complex subunit 2; plus strand). Cytogenetic location: 16p13.3.
Variant type: single nucleotide variant.
Coding change: c.3292C>T on transcript NM_000548.5 (MANE Select); coding-DNA position 3292, C replaced by T.
Protein change: p.Pro1098Ser; replaces proline 1098 with serine.
Molecular consequence: missense variant.
Genome position (GRCh38, 1-based): chr16:2,079,564, C>T. VCF-style: chr16-2079564-C-T. GRCh37 (hg19) VCF-style: chr16-2129565-C-T.
Other names: c.3160C>T, p.Pro1054Ser (NM_001077183.3, NM_001370404.1); c.3292C>T, p.Pro1098Ser (NM_001114382.3); c.3052C>T, p.Pro1018Ser (NM_001318827.2); c.3016C>T, p.Pro1006Ser (NM_001318829.2); c.2560C>T, p.Pro854Ser (NM_001318831.2); c.3193C>T, p.Pro1065Ser (NM_001318832.2); c.3163C>T, p.Pro1055Ser (NM_001363528.2, NM_001370405.1, NM_021055.3); short protein forms P1018S, P1065S, P854S, P1055S, P1054S, P1098S, P1006S.
Identifiers: ClinVar variation 823456 (VCV000823456.17), dbSNP rs772686090, ClinGen allele CA045567.